The following is an entry in ClinVar:

ClinVar aggregate classification (germline): Benign. Review status: criteria provided, multiple submitters, no conflicts (2 of 4 stars). 9 submissions from 9 submitters: Benign (6). 3 of the submissions do not count toward it. Last evaluated 2026-02-04.

Conditions:
Glycogen storage disease, type V (GSD5). Also called: MUSCLE GLYCOGEN PHOSPHORYLASE DEFICIENCY; MYOPHOSPHORYLASE DEFICIENCY; PYGM DEFICIENCY; McArdle type glycogen storage disease; MCARDLE DISEASE. Identifiers: Orphanet 368, MedGen C0017924, MONDO:0009293, OMIM 232600.

Allele frequency attached by ClinVar (database versions not stated): gnomAD exomes 0.00313 and 0.00862; 1000 Genomes Project 30x 0.03763; ESP Exome Variant Server 0.04155; ExAC 0.01077; 1000 Genomes Project 0.03534; gnomAD 0.03355 and 0.03592; TOPMed 0.03706.
gnomAD v4.1: 9,827 of 1,613,600 alleles (0.61%); highest among the groups gnomAD compares: African/African-American, 11%; 527 homozygotes.

Submissions (9):

Labcorp Genetics (formerly Invitae), Labcorp
Classification: Benign for Glycogen storage disease, type V. Last evaluated: 2026-02-04. Review status: criteria provided, single submitter. Criteria: Invitae Variant Classification Sherloc (09022015). Collection method: clinical testing. Allele origin: germline.

Illumina Laboratory Services, Illumina
Classification: Benign for Glycogen storage disease, type V. Last evaluated: 2018-01-13. Review status: criteria provided, single submitter. Criteria: ICSL Variant Classification Criteria 13 December 2019. Collection method: clinical testing. Allele origin: germline.
Comment: This variant was observed in the ICSL laboratory as part of a predisposition screen in an ostensibly healthy population. It had not been previously curated by ICSL or reported in the Human Gene Mutation Database (HGMD: prior to June 1st, 2018), and was therefore a candidate for classification through an automated scoring system. Utilizing variant allele frequency, disease prevalence and penetrance estimates, and inheritance mode, an automated score was calculated to assess if this variant is too frequent to cause the disease. Based on the score and internal cut-off values, a variant classified as benign is not then subjected to further curation. The score for this variant resulted in a classification of benign for this disease.

GeneDx
Classification: Benign. Last evaluated: 2015-03-03. Review status: criteria provided, single submitter. Criteria: GeneDx Variant Classification Process June 2021. Collection method: clinical testing. Allele origin: germline. Affected: yes.

Eurofins Ntd Llc (ga)
Classification: Benign. Last evaluated: 2013-05-06. Review status: criteria provided, single submitter. Criteria: EGL Classification Definitions 2015. Collection method: clinical testing. Allele origin: germline. Observed: 11 variant alleles, 10 heterozygotes, 1 homozygote.

Breakthrough Genomics
Classification: Benign. Review status: criteria provided, single submitter. Criteria: ACMG Guidelines, 2015. Collection method: not provided. Allele origin: germline. Inheritance: Autosomal recessive inheritance. Affected: yes.

PreventionGenetics, part of Exact Sciences
Classification: Benign. Review status: criteria provided, single submitter. Criteria: ACMG Guidelines, 2015. Collection method: clinical testing. Allele origin: germline.

Natera, Inc.
Classification: Benign for Glycogen storage disease V. Last evaluated: 2020-09-16. Review status: no assertion criteria provided. Collection method: clinical testing. Allele origin: germline. Not counted in ClinVar's aggregate classification.

Mayo Clinic Laboratories, Mayo Clinic
Classification: Benign. Last evaluated: 2017-05-24. Review status: no assertion criteria provided. Collection method: clinical testing. Allele origin: unknown. Not counted in ClinVar's aggregate classification.

GeneReviews
No classification provided. Condition: Glycogen storage disease, type V. Review status: no classification provided. Collection method: literature only. Allele origin: germline. Affected: yes. Not counted in ClinVar's aggregate classification.

Literature cited by the submitters: NCBI Bookshelf NBK1344 (cited by GeneReviews).

NM_005609.4(PYGM):c.1494C>T (p.Pro498=)

Gene: PYGM (glycogen phosphorylase, muscle associated; minus strand). Cytogenetic location: 11q13.1.
Variant type: single nucleotide variant.
Coding change: c.1494C>T on transcript NM_005609.4 (MANE Select); coding-DNA position 1494, C replaced by T.
Protein change: p.Pro498=; no amino-acid change (proline 498 retained).
Molecular consequence: synonymous variant.
Genome position (GRCh38, 1-based): chr11:64,753,097, G>A on the plus strand (C>T on the coding strand, the complement: PYGM is on the minus strand). VCF-style: chr11-64753097-G-A. GRCh37 (hg19) VCF-style: chr11-64520569-G-A.
Other names: c.1230C>T, p.Pro410= (NM_001164716.1).
Identifiers: ClinVar variation 95292 (VCV000095292.26), dbSNP rs11231865, ClinGen allele CA148394.